The following is an entry in ClinVar:

ClinVar aggregate classification (germline): Benign/Likely benign. Review status: criteria provided, multiple submitters, no conflicts (2 of 4 stars). 5 submissions from 4 submitters: Benign (1); Likely benign (1). 3 of the submissions do not count toward it. Last evaluated 2025-10-01.

Conditions:
Retinal dystrophy. Also called: Inherited retinal dystrophy. Identifiers: Orphanet 71862, MedGen C0854723, MeSH D058499, MONDO:0019118, HP:0000556.
CNGA1-related disorder. Also called: CNGA1-related condition.
Optic atrophy. Identifiers: MedGen C0029124, MONDO:0003608, HP:0000648.

Allele frequency attached by ClinVar (database versions not stated): 1000 Genomes Project 0.00240; 1000 Genomes Project 30x 0.00250; ExAC 0.00482; TOPMed 0.00652; gnomAD 0.00804; gnomAD exomes 0.00842.
gnomAD v4.1: 3,726 of 450,336 alleles (0.83%); highest among the groups gnomAD compares: Non-Finnish European, 1.2%; 26 homozygotes.

Submissions (5):

CeGaT Center for Human Genetics Tuebingen
Classification: Benign. Last evaluated: 2025-10-01. Review status: criteria provided, single submitter. Criteria: CeGaT Center For Human Genetics Tuebingen Variant Classification Criteria Version 2. Collection method: clinical testing. Allele origin: germline. Affected: yes. Observed: 6 variant alleles.
Comment: CNGA1: BS1, BS2

Blueprint Genetics
Classification: Likely benign. Last evaluated: 2024-11-25. Review status: criteria provided, single submitter. Criteria: ACMG Guidelines, 2015. Collection method: clinical testing. Allele origin: germline.

Institute of Human Genetics, Univ. Regensburg, Univ. Regensburg
Classification: Uncertain significance for Optic atrophy. Last evaluated: 2023-01-01. Review status: no assertion criteria provided. Criteria: ACMG Guidelines, 2015. Collection method: clinical testing. Allele origin: germline. Affected: yes. Not counted in ClinVar's aggregate classification.

Institute of Human Genetics, Univ. Regensburg, Univ. Regensburg
Classification: Uncertain significance for Retinal dystrophy. Last evaluated: 2023-01-01. Review status: no assertion criteria provided. Criteria: ACMG Guidelines, 2015. Collection method: clinical testing. Allele origin: germline. Affected: yes. Not counted in ClinVar's aggregate classification.

PreventionGenetics, part of Exact Sciences
Classification: Benign for CNGA1-related condition. Last evaluated: 2019-07-26. Review status: no assertion criteria provided. Collection method: clinical testing. Allele origin: germline. Not counted in ClinVar's aggregate classification.
Comment: This variant is classified as benign based on ACMG/AMP sequence variant interpretation guidelines (Richards et al. 2015 PMID: 25741868, with internal and published modifications).

NM_001379270.1(CNGA1):c.-15+10296G>A

Genes: CNGA1 (cyclic nucleotide gated channel subunit alpha 1; minus strand), LOC101927157 (uncharacterized LOC101927157; plus strand). Cytogenetic location: 4p12.
Variant type: single nucleotide variant.
Coding change: c.-15+10296G>A on transcript NM_001379270.1 (MANE Select); 10296 bases into the intron after 15 bases upstream of the start codon, G replaced by A.
Molecular consequence: intron variant. On other transcripts: 5 prime UTR variant (1).
Genome position (GRCh38, 1-based): chr4:47,971,097, C>T on the plus strand (G>A on the coding strand, the complement: CNGA1 is on the minus strand). VCF-style: chr4-47971097-C-T. GRCh37 (hg19) VCF-style: chr4-47973114-C-T.
Other names: c.-216G>A (NM_001142564.2); c.-15+10296G>A (NM_000087.5); c.4G>A (NM_001142564.1); c.-3+10296G>A (NM_000087.4).
Identifiers: ClinVar variation 2654750 (VCV002654750.26), dbSNP rs145846303, ClinGen allele CA2911427.